The following is an entry in ClinVar:

ClinVar aggregate classification (germline): Benign. Review status: criteria provided, multiple submitters, no conflicts (2 of 4 stars). 3 submissions from 3 submitters: Benign (2). 1 of the submissions does not count toward it. Last evaluated 2026-08-01.

Conditions:
KCNN4-related disorder. Also called: KCNN4-related condition.

Allele frequency attached by ClinVar (database versions not stated): 1000 Genomes Project 0.00100; gnomAD 0.00319 and 0.00306; 1000 Genomes Project 30x 0.00125; gnomAD exomes 0.00323.

Submissions (3):

CeGaT Center for Human Genetics Tuebingen
Classification: Benign. Last evaluated: 2026-08-01. Review status: criteria provided, single submitter. Criteria: CeGaT Center For Human Genetics Tuebingen Variant Classification Criteria Version 2. Collection method: clinical testing. Allele origin: germline. Affected: yes. Observed: 9 variant alleles.
Comment: KCNN4: BS1, BS2

Labcorp Genetics (formerly Invitae), Labcorp
Classification: Benign. Last evaluated: 2025-12-14. Review status: criteria provided, single submitter. Criteria: Invitae Variant Classification Sherloc (09022015). Collection method: clinical testing. Allele origin: germline.

PreventionGenetics, part of Exact Sciences
Classification: Likely benign for KCNN4-related condition. Last evaluated: 2023-05-15. Review status: no assertion criteria provided. Collection method: clinical testing. Allele origin: germline. Not counted in ClinVar's aggregate classification.
Comment: This variant is classified as likely benign based on ACMG/AMP sequence variant interpretation guidelines (Richards et al. 2015 PMID: 25741868, with internal and published modifications).

NC_000019.10:g.43781226C>A

Gene: KCNN4 (potassium calcium-activated channel subfamily N member 4; minus strand). Cytogenetic location: 19q13.31.
Variant type: single nucleotide variant.
Genome position: GRCh38 VCF-style: chr19-43781226-C-A. GRCh37 (hg19) VCF-style: chr19-44285378-C-A.
Identifiers: ClinVar variation 1511648 (VCV001511648.30), dbSNP rs77115443, ClinGen allele CA308797608.
Genomic context (GRCh38, chr19:43,781,226, plus strand): 5'-ACACACACAGACACACGATGGGCTTTGTCACACACAATGGTCTGTACTTTGTGACACACA[C>A]CTCTACTCACCACACCCAGACACCGAAGGACACTCCACAGCCCAAGACGGAGACTAACAC-3'